The following is an entry in ClinVar:

ClinVar aggregate classification (germline): Likely benign (1 of 4 stars; one submission).

gnomAD v4.1: 540 of 1,612,508 alleles (0.033%); highest among the groups gnomAD compares: East Asian, 1.1%; 4 homozygotes.

Submission:

CeGaT Center for Human Genetics Tuebingen
Classification: Likely benign. Last evaluated: 2026-03-01. Review status: criteria provided, single submitter. Criteria: CeGaT Center For Human Genetics Tuebingen Variant Classification Criteria Version 2. Collection method: clinical testing. Allele origin: germline. Affected: yes. Observed: 1 variant allele.
Comment: ARFGEF1: BP4, BP7, BS1

NM_006421.5(ARFGEF1):c.5490C>T (p.Ile1830=)

Gene: ARFGEF1 (ARF guanine nucleotide exchange factor 1; minus strand). Cytogenetic location: 8q13.2.
Variant type: single nucleotide variant.
Coding change: c.5490C>T on transcript NM_006421.5 (MANE Select); coding-DNA position 5490, C replaced by T.
Protein change: p.Ile1830=; no amino-acid change (isoleucine 1830 retained).
Molecular consequence: synonymous variant. On other transcripts: non-coding transcript variant (1), intron variant (2).
Genome position (GRCh38, 1-based): chr8:67,198,994, G>A on the plus strand (C>T on the coding strand, the complement: ARFGEF1 is on the minus strand). VCF-style: chr8-67198994-G-A. GRCh37 (hg19) VCF-style: chr8-68111229-G-A.
Other names: c.5490C>T, p.Ile1830= (NM_001413184.1); c.5472C>T, p.Ile1824= (NM_001413185.1, NM_001413189.1); c.4890C>T, p.Ile1630= (NM_001413188.1, NM_001413197.1); c.5484C>T, p.Ile1828= (NM_001413190.1); c.5394C>T, p.Ile1798= (NM_001413191.1); c.5376C>T, p.Ile1792= (NM_001413192.1); c.4065C>T, p.Ile1355= (NM_001413196.1); c.5367+1402C>T (NM_001413186.1); and 1 more.
Identifiers: ClinVar variation 4822280 (VCV004822280.4).